The following is an entry in ClinVar:

ClinVar aggregate classification (germline): Uncertain significance. Review status: criteria provided, multiple submitters, no conflicts (2 of 4 stars). 2 submissions from 2 submitters: Uncertain significance (2). Last evaluated 2024-01-17.

Allele frequency attached by ClinVar (database versions not stated): gnomAD exomes below 0.00001.
gnomAD v4.1: 2 of 1,613,996 alleles (0.00012%); highest among the groups gnomAD compares: Non-Finnish European, 0.000085%; no homozygotes.

Submissions (2):

Labcorp Genetics (formerly Invitae), Labcorp
Classification: Uncertain significance. Last evaluated: 2024-01-17. Review status: criteria provided, single submitter. Criteria: Invitae Variant Classification Sherloc (09022015). Collection method: clinical testing. Allele origin: germline.
Comment: This sequence change replaces histidine, which is basic and polar, with arginine, which is basic and polar, at codon 887 of the SLC12A6 protein (p.His887Arg). This variant is not present in population databases (gnomAD no frequency). This variant has not been reported in the literature in individuals affected with SLC12A6-related conditions. ClinVar contains an entry for this variant (Variation ID: 1306805). Advanced modeling of protein sequence and biophysical properties (such as structural, functional, and spatial information, amino acid conservation, physicochemical variation, residue mobility, and thermodynamic stability) performed at Invitae indicates that this missense variant is not expected to disrupt SLC12A6 protein function with a negative predictive value of 80%. In summary, the available evidence is currently insufficient to determine the role of this variant in disease. Therefore, it has been classified as a Variant of Uncertain Significance.

GeneDx
Classification: Uncertain significance. Last evaluated: 2019-07-08. Review status: criteria provided, single submitter. Criteria: GeneDx Variant Classification Process June 2021. Collection method: clinical testing. Allele origin: germline. Affected: yes.
Comment: Not observed in large population cohorts (Lek et al., 2016); In silico analysis, which includes protein predictors and evolutionary conservation, supports a deleterious effect; Has not been previously published as pathogenic or benign to our knowledge

NM_001365088.1(SLC12A6):c.2660A>G (p.His887Arg)

Gene: SLC12A6 (solute carrier family 12 member 6; minus strand). Cytogenetic location: 15q14.
Variant type: single nucleotide variant.
Coding change: c.2660A>G on transcript NM_001365088.1 (MANE Select); coding-DNA position 2660, A replaced by G.
Protein change: p.His887Arg; replaces histidine 887 with arginine.
Molecular consequence: missense variant.
Genome position (GRCh38, 1-based): chr15:34,238,374, T>C on the plus strand (A>G on the coding strand, the complement: SLC12A6 is on the minus strand). VCF-style: chr15-34238374-T-C. GRCh37 (hg19) VCF-style: chr15-34530575-T-C.
Other names: c.2507A>G, p.His836Arg (NM_005135.2); c.2660A>G, p.His887Arg (NM_133647.2); c.2483A>G, p.His828Arg (NM_001042494.2, NM_001042495.2); c.2633A>G, p.His878Arg (NM_001042496.2); c.2615A>G, p.His872Arg (NM_001042497.2); short protein forms H828R, H836R, H872R, H878R, H887R.
Identifiers: ClinVar variation 1306805 (VCV001306805.5), dbSNP rs1566801268, ClinGen allele CA391619021.